The following is an entry in ClinVar:

ClinVar aggregate classification (germline): Likely benign (1 of 4 stars; one submission).

Conditions:
Hyperinsulinemic hypoglycemia. Also called: Hyperinsulinemic hypoglycemia (disease); Hyperinsulinemia hypoglycemia. Identifiers: Orphanet 443095, MedGen C1864903, MONDO:0005803, HP:0000825.

Submission:

Clinical Genomics, Uppaluri K&H Personalized Medicine Clinic
Classification: Likely benign for Hyperinsulinemic hypoglycemia. Review status: criteria provided, single submitter. Criteria: K & H Uppaluri Personalized Medicine Clinic Variant Classification & Assertion Criteria_Updated V.1. Collection method: research. Allele origin: unknown. Inheritance: Autosomal recessive inheritance.
Comment: Potent mutations in HADH gene are associated with congenital hyperinsulinism, which leads to recurrent hypoglycemia. The condition is exacerbated by stress, fasting or excessive dietary protein. May respond well to diazoxide. However, the role of this particular variant rs10017687 in congenital hyperinsulinism is yet to be ascertained.

Literature cited by the submitters: PubMed 34547194; PubMed 34055426; PubMed 29280746.

NC_000004.12:g.107989740G>T

Genes: HADH (hydroxyacyl-CoA dehydrogenase; plus strand), LOC129992931 (ATAC-STARR-seq lymphoblastoid silent region 15614; plus strand). Cytogenetic location: 4q25.
Variant type: single nucleotide variant.
Genome position: GRCh38 VCF-style: chr4-107989740-G-T. GRCh37 (hg19) VCF-style: chr4-108910896-G-T.
Identifiers: ClinVar variation 2498223 (VCV002498223.1), dbSNP rs10017687, ClinGen allele CA554050028.